The following is an entry in ClinVar:

ClinVar aggregate classification (germline): Pathogenic. Review status: reviewed by expert panel (3 of 4 stars). 5 submissions from 5 submitters: Pathogenic (1). 4 of the submissions do not count toward it. Last evaluated 2016-10-18.

Conditions:
Hereditary cancer-predisposing syndrome. Also called: Tumor predisposition; Hereditary neoplastic syndrome; Hereditary Cancer Syndrome; Neoplastic Syndromes, Hereditary. Identifiers: Orphanet 140162, MedGen C0027672, MeSH D009386, MONDO:0015356.
Breast-ovarian cancer, familial, susceptibility to, 2 (BROVCA2). Also called: BRCA2 Hereditary Breast and Ovarian Cancer. Identifiers: Orphanet 145, MedGen C2675520, MONDO:0012933, OMIM 612555. Disease mechanism: loss of function.
BRCA2-related cancer predisposition. Identifiers: MedGen CN377758, MONDO:0700269.
Hereditary breast ovarian cancer syndrome. Also called: Hereditary breast and ovarian cancer; Breast and ovarian cancer; BRCA1- and BRCA2-Associated Hereditary Breast and Ovarian Cancer; Hereditary breast and/or ovarian cancer syndrome; Hereditary breast and ovarian cancer syndrome; Hereditary breast and ovarian cancer syndrome (HBOC). Identifiers: Orphanet 145, MedGen C0677776, MeSH D061325, MONDO:0003582. Disease mechanism: loss of function.

Submissions (5):

Evidence-based Network for the Interpretation of Germline Mutant Alleles (ENIGMA)
Classification: Pathogenic for Breast-ovarian cancer, familial, susceptibility to, 2. Last evaluated: 2016-10-18. Review status: reviewed by expert panel. Criteria: ENIGMA BRCA1/2 Classification Criteria (2015). Collection method: curation. Allele origin: germline.
Comment: Variant allele predicted to encode a truncated non-functional protein.

Ambry Genetics
Classification: Pathogenic for Hereditary cancer-predisposing syndrome. Last evaluated: 2025-12-19. Review status: criteria provided, single submitter. Criteria: Ambry Variant Classification Scheme 2023. Collection method: clinical testing. Allele origin: germline. Not counted in ClinVar's aggregate classification.
Comment: The c.5334_5340delTGTTGAA pathogenic mutation, located in coding exon 10 of the BRCA2 gene, results from a deletion of 7 nucleotides at nucleotide positions 5334 to 5340, causing a translational frameshift with a predicted alternate stop codon (p.N1778Kfs*11). This variant is considered to be rare based on population cohorts in the Genome Aggregation Database (gnomAD). This alteration is expected to result in loss of function by premature protein truncation or nonsense-mediated mRNA decay. As such, this alteration is interpreted as a disease-causing mutation.

Clinical Genetics Laboratory, Skane University Hospital Lund
Classification: Pathogenic for BRCA2-related cancer predisposition. Last evaluated: 2025-11-26. Review status: criteria provided, single submitter. Criteria: ACMG Guidelines, 2015. Collection method: clinical testing. Allele origin: germline. Inheritance: Autosomal dominant inheritance. Affected: yes. Not counted in ClinVar's aggregate classification.

All of Us Research Program, National Institutes of Health
Classification: Pathogenic for Breast-ovarian cancer, familial, susceptibility to, 2. Last evaluated: 2023-12-18. Review status: criteria provided, single submitter. Criteria: ACMG Guidelines, 2015. Collection method: clinical testing. Allele origin: germline. Inheritance: Autosomal dominant inheritance. Observed: 1 variant allele, 1 heterozygote. Not counted in ClinVar's aggregate classification.
Comment: This variant deletes 7 nucleotides in exon 11/27 of the BRCA2 gene, creating a frameshift and premature translation stop signal. This variant is expected to result in an absent or non-functional protein product. This variant has been reported in a suspected hereditary breast and ovarian cancer family (PMID: 29446198). This variant has not been identified in the general population by the Genome Aggregation Database (gnomAD). Loss of BRCA2 function is a known mechanism of disease. Based on the available evidence, this variant is classified as Pathogenic.

This study involves interpretation of variants in research participants for the purpose of population health screening. Participant phenotype was not available at the time of variant classification. Additional details can be found in publication PMID: 35346344, PMCID: PMC8962531

Research Molecular Genetics Laboratory, Women's College Hospital, University of Toronto
Classification: Pathogenic for Hereditary breast ovarian cancer syndrome. Last evaluated: 2014-01-31. Review status: no assertion criteria provided. Collection method: research. Allele origin: germline. Affected: yes. Study: The Canadian Open Genetics Repository (COGR). Not counted in ClinVar's aggregate classification.

Literature cited by the submitters: PubMed 29446198 (cited by All of Us Research Program, National Institutes of Health).

NM_000059.4(BRCA2):c.5334_5340del (p.Asn1778fs)

Gene: BRCA2 (BRCA2 DNA repair associated; plus strand). Cytogenetic location: 13q13.1.
Variant type: Deletion.
Coding change: c.5334_5340del on transcript NM_000059.4 (MANE Select); coding-DNA positions 5334 to 5340, 7 bases deleted (TGTTGAA; older notation c.5334_5340delTGTTGAA).
Protein change: p.Asn1778fs; shifts the reading frame from asparagine 1778.
Molecular consequence: frameshift variant.
Genome position (GRCh38, 1-based): chr13:32,339,689-32,339,695, TGTTGAA deleted; deleting any 7 consecutive bases within chr13:32,339,686-32,339,695 gives the same sequence; the c. name uses the placement nearest the transcript's 3' end. VCF-style (leftmost placement, unchanged base first): chr13-32339685-AGAATGTT-A. GRCh37 (hg19) VCF-style: chr13-32913822-AGAATGTT-A.
Other names: 5562delTGTTGAA; c.5334_5340delTGTTGAA (NM_000059.3).
Identifiers: ClinVar variation 230991 (VCV000230991.9), dbSNP rs876658888, ClinGen allele CA10579653.